The following is an entry in ClinVar:

ClinVar aggregate classification (germline): Uncertain significance (1 of 4 stars; one submission).

Conditions:
Congenital muscular dystrophy due to integrin alpha-7 deficiency. Also called: MYOPATHY, CONGENITAL, DUE TO INTEGRIN ALPHA-7 DEFICIENCY; Congenital muscular dystrophy with integrin alpha-7 deficiency; Muscular dystrophy, congenital, due to ITGA7 deficiency. Identifiers: Orphanet 34520, MedGen C2750786, MONDO:0013177, OMIM 613204.

Allele frequency attached by ClinVar (database versions not stated): gnomAD exomes below 0.00001.
gnomAD v4.1: 1 of 1,614,144 alleles (0.000062%); highest among the groups gnomAD compares: Non-Finnish European, 0.000085%; no homozygotes.

Submission:

Labcorp Genetics (formerly Invitae), Labcorp
Classification: Uncertain significance for Congenital muscular dystrophy due to integrin alpha-7 deficiency. Last evaluated: 2022-08-03. Review status: criteria provided, single submitter. Criteria: Invitae Variant Classification Sherloc (09022015). Collection method: clinical testing. Allele origin: germline.
Comment: This sequence change replaces alanine, which is neutral and non-polar, with threonine, which is neutral and polar, at codon 403 of the ITGA7 protein (p.Ala403Thr). This variant is not present in population databases (gnomAD no frequency). This variant has not been reported in the literature in individuals affected with ITGA7-related conditions. Algorithms developed to predict the effect of missense changes on protein structure and function are either unavailable or do not agree on the potential impact of this missense change (SIFT: "Deleterious"; PolyPhen-2: "Possibly Damaging"; Align-GVGD: "Class C0"). In summary, the available evidence is currently insufficient to determine the role of this variant in disease. Therefore, it has been classified as a Variant of Uncertain Significance.

NM_002206.3(ITGA7):c.1207G>A (p.Ala403Thr)

Gene: ITGA7 (integrin subunit alpha 7; minus strand). Cytogenetic location: 12q13.2.
Variant type: single nucleotide variant.
Coding change: c.1207G>A on transcript NM_002206.3 (MANE Select); coding-DNA position 1207, G replaced by A.
Protein change: p.Ala403Thr; replaces alanine 403 with threonine.
Molecular consequence: missense variant. On other transcripts: 5 prime UTR variant (1).
Genome position (GRCh38, 1-based): chr12:55,698,012, C>T on the plus strand (G>A on the coding strand, the complement: ITGA7 is on the minus strand). VCF-style: chr12-55698012-C-T. GRCh37 (hg19) VCF-style: chr12-56091796-C-T.
Other names: c.1219G>A, p.Ala407Thr (NM_001144996.2, NM_001414029.1); c.928G>A, p.Ala310Thr (NM_001144997.2); c.880G>A, p.Ala294Thr (NM_001367993.1); c.-86G>A (NM_001367994.1); c.1207G>A, p.Ala403Thr (NM_001374465.1, NM_001414034.1); c.1339G>A, p.Ala447Thr (NM_001410977.1); c.1132G>A, p.Ala378Thr (NM_001414030.1); c.1120G>A, p.Ala374Thr (NM_001414031.1); and 3 more; short protein forms A310T, A342T, A290T, A378T, A407T, A363T, A403T, A294T.
Identifiers: ClinVar variation 1980662 (VCV001980662.1), dbSNP rs2539795946, ClinGen allele CA385189950.